The following is an entry in ClinVar:

ClinVar aggregate classification (germline): Uncertain significance (1 of 4 stars; one submission).

Conditions:
Dystonia 12 (DYT12). Also called: DYT-ATP1A3; Rapid-Onset Dystonia-Parkinsonism (RDP). Identifiers: Orphanet 71517, MedGen C1868681, MONDO:0007496, OMIM 128235.

Allele frequency attached by ClinVar (database versions not stated): gnomAD exomes below 0.00001.
gnomAD v4.1: 1 of 1,614,144 alleles (0.000062%); highest among the groups gnomAD compares: Admixed American, 0.0017%; no homozygotes.

Submission:

Labcorp Genetics (formerly Invitae), Labcorp
Classification: Uncertain significance for Dystonia 12. Last evaluated: 2022-02-10. Review status: criteria provided, single submitter. Criteria: Invitae Variant Classification Sherloc (09022015). Collection method: clinical testing. Allele origin: germline.
Comment: This sequence change replaces aspartic acid, which is acidic and polar, with asparagine, which is neutral and polar, at codon 743 of the ATP1A3 protein (p.Asp743Asn). This variant is present in population databases (no rsID available, gnomAD 0.003%). This variant has not been reported in the literature in individuals affected with ATP1A3-related conditions. ClinVar contains an entry for this variant (Variation ID: 567827). Advanced modeling of protein sequence and biophysical properties (such as structural, functional, and spatial information, amino acid conservation, physicochemical variation, residue mobility, and thermodynamic stability) performed at Invitae indicates that this missense variant is expected to disrupt ATP1A3 protein function. In summary, the available evidence is currently insufficient to determine the role of this variant in disease. Therefore, it has been classified as a Variant of Uncertain Significance.

NM_152296.5(ATP1A3):c.2227G>A (p.Asp743Asn)

Gene: ATP1A3 (ATPase Na+/K+ transporting subunit alpha 3; minus strand). Cytogenetic location: 19q13.2.
Variant type: single nucleotide variant.
Coding change: c.2227G>A on transcript NM_152296.5 (MANE Select); coding-DNA position 2227, G replaced by A.
Protein change: p.Asp743Asn; replaces aspartic acid 743 with asparagine.
Molecular consequence: missense variant.
Genome position (GRCh38, 1-based): chr19:41,975,665, C>T on the plus strand (G>A on the coding strand, the complement: ATP1A3 is on the minus strand). VCF-style: chr19-41975665-C-T. GRCh37 (hg19) VCF-style: chr19-42479817-C-T.
Other names: c.2260G>A, p.Asp754Asn (NM_001256213.2); c.2266G>A, p.Asp756Asn (NM_001256214.2); short protein forms D743N, D754N, D756N.
Identifiers: ClinVar variation 567827 (VCV000567827.10), dbSNP rs1555860790, ClinGen allele CA406041731.